The following is an entry in ClinVar:

NM_139315.3(TAF6):c.1899G>A (p.Ser633=)

Genes: AP4M1 (adaptor related protein complex 4 subunit mu 1; plus strand), TAF6 (TATA-box binding protein associated factor 6; minus strand). Cytogenetic location: 7q22.1.
Variant type: single nucleotide variant.
Coding change: c.1899G>A on transcript NM_139315.3 (MANE Select); coding-DNA position 1899, G replaced by A.
Protein change: p.Ser633=; no amino-acid change (serine 633 retained).
Molecular consequence: synonymous variant. On other transcripts: non-coding transcript variant (1), 3 prime UTR variant (2).
Genome position (GRCh38, 1-based): chr7:100,107,381, C>T on the plus strand (G>A on the coding strand, the complement: TAF6 is on the minus strand). VCF-style: chr7-100107381-C-T. GRCh37 (hg19) VCF-style: chr7-99705004-C-T.
Other names: c.2010G>A, p.Ser670= (NM_001190415.2); c.1899G>A, p.Ser633= (NM_001364998.1, NM_001364999.1, NM_005641.4); c.1869G>A, p.Ser623= (NM_001365000.1, NM_001365001.1, NM_001365002.1 and 1 more transcripts); c.2037G>A, p.Ser679= (NM_001365004.1); c.*499C>T (NM_001363671.2, NM_004722.4).
Identifiers: ClinVar variation 759833 (VCV000759833.18), dbSNP rs143687621, ClinGen allele CA4375133.

ClinVar aggregate classification (germline): Benign/Likely benign. Review status: criteria provided, multiple submitters, no conflicts (2 of 4 stars). 3 submissions from 3 submitters: Benign (1); Likely benign (2). Last evaluated 2024-11-01.

Allele frequency attached by ClinVar (database versions not stated): TOPMed 0.00038; gnomAD 0.00041 and 0.00042; 1000 Genomes Project 0.00060; gnomAD exomes 0.00060; ExAC 0.00062; 1000 Genomes Project 30x 0.00078; ESP Exome Variant Server 0.00092.
gnomAD v4.1: 300 of 1,590,914 alleles (0.019%); highest among the groups gnomAD compares: East Asian, 0.31%; no homozygotes.

Submissions (3):

CeGaT Center for Human Genetics Tuebingen
Classification: Likely benign. Last evaluated: 2024-11-01. Review status: criteria provided, single submitter. Criteria: CeGaT Center For Human Genetics Tuebingen Variant Classification Criteria Version 2. Collection method: clinical testing. Allele origin: germline. Affected: yes. Observed: 1 variant allele.
Comment: TAF6: BP4, BP7

Blueprint Genetics
Classification: Likely benign. Last evaluated: 2024-05-24. Review status: criteria provided, single submitter. Criteria: ACMG Guidelines, 2015. Collection method: clinical testing. Allele origin: germline.

Labcorp Genetics (formerly Invitae), Labcorp
Classification: Benign. Last evaluated: 2018-08-08. Review status: criteria provided, single submitter. Criteria: Invitae Variant Classification Sherloc (09022015). Collection method: clinical testing. Allele origin: germline.